The following is an entry in ClinVar:

NM_130839.5(UBE3A):c.1186_1198del (p.Glu396fs)

Genes: SNHG14 (small nucleolar RNA host gene 14; plus strand), UBE3A (ubiquitin protein ligase E3A; minus strand). Cytogenetic location: 15q11.2.
Variant type: Deletion.
Coding change: c.1186_1198del on transcript NM_130839.5 (MANE Select); coding-DNA positions 1186 to 1198, 13 bases deleted (GAGCCCATCCCTG).
Protein change: p.Glu396fs; shifts the reading frame from glutamic acid 396.
Molecular consequence: frameshift variant. On other transcripts: non-coding transcript variant (1), intron variant (2).
Genome position (GRCh38, 1-based): chr15:25,370,976-25,370,988, CAGGGATGGGCTC deleted on the plus strand (GAGCCCATCCCTG on the coding strand, the reverse complement: UBE3A is on the minus strand). VCF-style (leftmost placement, unchanged base first): chr15-25370975-TCAGGGATGGGCTC-T. GRCh37 (hg19) VCF-style: chr15-25616122-TCAGGGATGGGCTC-T.
Other names: c.1195_1207del, p.Glu399fs (NM_000462.5); c.1186_1198del, p.Glu396fs (NM_001354505.1, NM_001354538.2, NM_001354545.2); c.1126_1138del, p.Glu376fs (NM_001354506.2, NM_001354507.2, NM_001354508.2 and 17 more transcripts); c.1009_1021del, p.Glu337fs (NM_001354546.2); c.301+4477_301+4489del (NM_001354551.2); c.361+4477_361+4489del (NM_001354550.2); short protein forms E337fs, E396fs, E399fs, E376fs.
Identifiers: ClinVar variation 3642371 (VCV003642371.2).
Genomic context (GRCh38, chr15:25,370,975, plus strand): 5'-GGACCTTTCTTGTTTCTTCTTTCTTCTCCCAAAAGTTCCTGAAGTGTCAGCTCGCTGGAC[TCAGGGATGGGCTC>T]TTCATCATCTTCTTCATTGTGATTTGTGTCCACTTCCCCTCCCACTACATTTGCATAGTA-3'

ClinVar aggregate classification (germline): Pathogenic (1 of 4 stars; one submission).

Conditions:
Angelman syndrome (AS). Also called: HAPPY PUPPET SYNDROME. Identifiers: Orphanet 72, MedGen C0162635, MONDO:0007113, OMIM 105830. Disease mechanism: loss of function. Inheritance: AS is caused by disruption of maternally imprinted UBE3A located within the 15q11.2-q13 Angelman syndrome/Prader-Willi syndrome (AS/PWS) region., imprinting disorder.

Submission:

Labcorp Genetics (formerly Invitae), Labcorp
Classification: Pathogenic for Angelman syndrome. Last evaluated: 2024-02-21. Review status: criteria provided, single submitter. Criteria: Invitae Variant Classification Sherloc (09022015). Collection method: clinical testing. Allele origin: germline.
Comment: This sequence change creates a premature translational stop signal (p.Glu376Serfs*5) in the UBE3A gene. It is expected to result in an absent or disrupted protein product. Loss-of-function variants in UBE3A are known to be pathogenic (PMID: 25212744). This variant is not present in population databases (gnomAD no frequency). This variant has not been reported in the literature in individuals affected with UBE3A-related conditions. For these reasons, this variant has been classified as Pathogenic.

Literature cited by the submitters: PubMed 25212744.